The following is an entry in ClinVar:

NM_001379291.1(BRD4):c.2921C>T (p.Pro974Leu)

Gene: BRD4 (bromodomain containing 4; minus strand). Cytogenetic location: 19p13.12.
Variant type: single nucleotide variant.
Coding change: c.2921C>T on transcript NM_001379291.1 (MANE Select); coding-DNA position 2921, C replaced by T.
Protein change: p.Pro974Leu; replaces proline 974 with leucine.
Molecular consequence: missense variant.
Genome position (GRCh38, 1-based): chr19:15,243,148, G>A on the plus strand (C>T on the coding strand, the complement: BRD4 is on the minus strand). VCF-style: chr19-15243148-G-A. GRCh37 (hg19) VCF-style: chr19-15353959-G-A.
Other names: c.2921C>T, p.Pro974Leu (NM_058243.3); short protein forms P974L.
Identifiers: ClinVar variation 2868971 (VCV002868971.3), dbSNP rs1354137520, ClinGen allele CA404504070.

ClinVar aggregate classification (germline): Uncertain significance (1 of 4 stars; one submission).

Submission:

Labcorp Genetics (formerly Invitae), Labcorp
Classification: Uncertain significance. Last evaluated: 2023-07-11. Review status: criteria provided, single submitter. Criteria: Invitae Variant Classification Sherloc (09022015). Collection method: clinical testing. Allele origin: germline.
Comment: This variant is present in population databases (no rsID available, gnomAD 0.01%). This sequence change replaces proline, which is neutral and non-polar, with leucine, which is neutral and non-polar, at codon 974 of the BRD4 protein (p.Pro974Leu). This variant has not been reported in the literature in individuals affected with BRD4-related conditions. In summary, the available evidence is currently insufficient to determine the role of this variant in disease. Therefore, it has been classified as a Variant of Uncertain Significance. An algorithm developed to predict the effect of missense changes on protein structure and function (PolyPhen-2) suggests that this variant is likely to be disruptive.